The following is an entry in ClinVar:

ClinVar aggregate classification (germline): Likely benign (1 of 4 stars; one submission).

Conditions:
NPC1-related disorder. Also called: NPC1-related condition.

Submission:

PreventionGenetics, part of Exact Sciences
Classification: Likely benign for NPC1-related condition. Last evaluated: 2025-12-31. Review status: criteria provided, single submitter. Criteria: ACMG Guidelines, 2015. Collection method: clinical testing. Allele origin: germline.
Comment: This variant is classified as likely benign based on ACMG/AMP sequence variant interpretation guidelines (Richards et al. 2015 PMID: 25741868, with internal and published modifications).

NM_000271.5(NPC1):c.1947+16GTG[3]

Gene: NPC1 (NPC intracellular cholesterol transporter 1; minus strand). Cytogenetic location: 18q11.2.
Variant type: Microsatellite.
Coding change: c.1947+16GTG[3] on transcript NM_000271.5 (MANE Select); three copies in a row of the 3-base unit GTG starting at c.1947+16; the reference has two copies in a row; one copy, 3 bases duplicated.
Molecular consequence: intron variant.
Genome position (GRCh38, 1-based): chr18:23,544,939-23,544,941, CAC duplicated on the plus strand (GTG on the coding strand, the reverse complement: NPC1 is on the minus strand); duplicating any 3 consecutive bases within chr18:23,544,939-23,544,945 gives the same sequence; the position shown is the placement nearest the transcript's 3' end. VCF-style (leftmost placement, unchanged base first): chr18-23544938-A-ACAC. GRCh37 (hg19) VCF-style: chr18-21124902-A-ACAC.
Identifiers: ClinVar variation 4981502 (VCV004981502.1).